The following is an entry in ClinVar:

NM_199355.4(ADAMTS18):c.973-4A>G

Gene: ADAMTS18 (ADAM metallopeptidase with thrombospondin type 1 motif 18; minus strand). Cytogenetic location: 16q23.1.
Variant type: single nucleotide variant.
Coding change: c.973-4A>G on transcript NM_199355.4 (MANE Select); 4 bases into the intron before coding-DNA position 973, A replaced by G.
Molecular consequence: intron variant.
Genome position (GRCh38, 1-based): chr16:77,363,889, T>C on the plus strand (A>G on the coding strand, the complement: ADAMTS18 is on the minus strand). VCF-style: chr16-77363889-T-C. GRCh37 (hg19) VCF-style: chr16-77397786-T-C.
Other names: c.457-4A>G (NM_001326358.2).
Identifiers: ClinVar variation 5001221 (VCV005001221.1).

ClinVar aggregate classification (germline): Uncertain significance (1 of 4 stars; one submission).

Conditions:
ADAMTS18-related disorder. Also called: ADAMTS18-related condition.

gnomAD v4.1: 1 of 1,613,822 alleles (0.000062%); highest among the groups gnomAD compares: Non-Finnish European, 0.000085%; no homozygotes.

Submission:

PreventionGenetics, part of Exact Sciences
Classification: Uncertain significance for ADAMTS18-related condition. Last evaluated: 2025-07-31. Review status: criteria provided, single submitter. Criteria: ACMG Guidelines, 2015. Collection method: clinical testing. Allele origin: germline.
Comment: The ADAMTS18 c.973-4A>G variant is predicted to interfere with splicing. To our knowledge, this variant has not been reported in the literature. This variant is absent in a large population database (gnomAD), indicating this variant is rare. At this time, the clinical significance of this variant is uncertain due to the absence of conclusive functional and genetic evidence.